The following is an entry in ClinVar:

ClinVar aggregate classification (germline): Uncertain significance (1 of 4 stars; one submission).

Conditions:
Emery-Dreifuss muscular dystrophy (EDMD). Also called: Scapuloperoneal syndrome, X-linked (formerly); Humeroperoneal neuromuscular disease, (formerly). Identifiers: Orphanet 261, MedGen C0410189, MONDO:0016830.

Submission:

Labcorp Genetics (formerly Invitae), Labcorp
Classification: Uncertain significance for Emery-Dreifuss muscular dystrophy. Last evaluated: 2024-05-17. Review status: criteria provided, single submitter. Criteria: Invitae Variant Classification Sherloc (09022015). Collection method: clinical testing. Allele origin: germline.
Comment: This sequence change creates a premature translational stop signal (p.Gln675Argfs*6) in the SUN1 gene. It is expected to result in an absent or disrupted protein product. However, the current clinical and genetic evidence is not sufficient to establish whether loss-of-function variants in SUN1 cause disease. This variant is not present in population databases (gnomAD no frequency). This variant has not been reported in the literature in individuals affected with SUN1-related conditions. In summary, the available evidence is currently insufficient to determine the role of this variant in disease. Therefore, it has been classified as a Variant of Uncertain Significance.

NM_001130965.3(SUN1):c.2024del (p.Gln675fs)

Gene: SUN1 (Sad1 and UNC84 domain containing 1; plus strand). Cytogenetic location: 7p22.3.
Variant type: Deletion.
Coding change: c.2024del on transcript NM_001130965.3 (MANE Select); coding-DNA position 2024, one base deleted (A; older notation c.2024delA).
Protein change: p.Gln675fs; shifts the reading frame from glutamine 675.
Molecular consequence: frameshift variant. On other transcripts: non-coding transcript variant (3).
Genome position (GRCh38, 1-based): chr7:869,392, A deleted. VCF-style (leftmost placement, unchanged base first): chr7-869391-CA-C. GRCh37 (hg19) VCF-style: chr7-909028-CA-C.
Other names: c.1715del, p.Gln572fs (NM_001171944.2); c.2024del, p.Gln675fs (NM_001367633.1, NM_001367634.1, NM_001367653.1); c.2303del, p.Gln768fs (NM_001367698.1); c.2414del, p.Gln805fs (NM_001367699.1, NM_001367678.1); c.2234del, p.Gln745fs (NM_001367700.1, NM_001367655.1); c.1925del, p.Gln642fs (NM_001367701.1); c.2036del, p.Gln679fs (NM_001367702.1, NM_001367704.1); c.2417del, p.Gln806fs (NM_001367703.1, NM_001367705.1); and 43 more; short protein forms Q522fs, Q558fs, Q592fs, Q649fs, Q652fs, Q653fs, Q664fs, Q674fs.
Identifiers: ClinVar variation 3710372 (VCV003710372.2).
Genomic context (GRCh38, chr7:869,391, plus strand): 5'-TGTTTTTCCTTTCCCCAGCCTGACATTTACCCCGGTAACTGCTGGGCATTTAAAGGCTCC[CA>C]GGGGTACCTGGTGGTGAGGCTCTCCATGATGATCCACCCAGCCGCCTTCACTCTGGAGCA-3'